The following is an entry in ClinVar:

ClinVar aggregate classification (germline): Uncertain significance. Review status: criteria provided, multiple submitters, no conflicts (2 of 4 stars). 2 submissions from 2 submitters: Uncertain significance (2). Last evaluated 2026-01-07.

Conditions:
X-linked agammaglobulinemia (XLA). Also called: Bruton's agammaglobulinemia; AGAMMAGLOBULINEMIA, X-LINKED, TYPE 1; Bruton-type agammaglobulinemia; Agammaglobulinemia, Bruton tyrosine kinase; Agammaglobulinemia, BTK; BTK-deficiency. Identifiers: Orphanet 229717, Orphanet 47, MedGen C0221026, MONDO:0010421, OMIM 300755.
X-linked agammaglobulinemia with growth hormone deficiency (IGHD3). Also called: Isolated growth hormone deficiency type 3; Growth hormone deficiency with hypogammaglobulinemia; ISOLATED GROWTH HORMONE DEFICIENCY, TYPE III, WITH AGAMMAGLOBULINEMIA; AGAMMAGLOBULINEMIA AND ISOLATED GROWTH HORMONE DEFICIENCY, X-LINKED; FLEISHER SYNDROME; HYPOGAMMAGLOBULINEMIA AND ISOLATED GROWTH HORMONE DEFICIENCY, X-LINKED. Identifiers: Orphanet 231692, Orphanet 631, MedGen C0472813, MONDO:0010615, OMIM 307200.

Submissions (2):

3billion
Classification: Uncertain significance for X-linked agammaglobulinemia. Last evaluated: 2026-01-07. Review status: criteria provided, single submitter. Criteria: ACMG Guidelines, 2015. Collection method: clinical testing. Allele origin: germline. Affected: yes.
Comment: The variant is not observed in the gnomAD v4.1.0 dataset. Predicted Consequence/Location: Missense variant In silico tool predictions suggest damaging effect of the variant on gene or gene product [REVEL: 0.91 (>=0.6, sensitivity 0.68 and specificity 0.92); 3Cnet: 1.00 (> 0.75, sensitivity 0.96 and precision 0.92)]. The same nucleotide change resulting in the same amino acid change has been previously reported to be associated with BTK-related disorder (PMID: 8938104). However, the evidence of pathogenicity is insufficient at this time. Therefore, this variant is classified as VUS according to the recommendation of ACMG/AMP guideline.

Labcorp Genetics (formerly Invitae), Labcorp
Classification: Uncertain significance for X-linked agammaglobulinemia with growth hormone deficiency. Last evaluated: 2024-01-16. Review status: criteria provided, single submitter. Criteria: Invitae Variant Classification Sherloc (09022015). Collection method: clinical testing. Allele origin: germline.
Comment: This sequence change replaces serine, which is neutral and polar, with phenylalanine, which is neutral and non-polar, at codon 115 of the BTK protein (p.Ser115Phe). This variant is not present in population databases (gnomAD no frequency). This missense change has been observed in individual(s) with agammaglobulinemia (PMID: 8938104). Advanced modeling of protein sequence and biophysical properties (such as structural, functional, and spatial information, amino acid conservation, physicochemical variation, residue mobility, and thermodynamic stability) performed at Invitae indicates that this missense variant is expected to disrupt BTK protein function with a positive predictive value of 95%. In summary, the available evidence is currently insufficient to determine the role of this variant in disease. Therefore, it has been classified as a Variant of Uncertain Significance.

Literature cited by the submitters: PubMed 8938104 (cited by 3billion and Labcorp Genetics (formerly Invitae), Labcorp).

NM_000061.3(BTK):c.344C>T (p.Ser115Phe)

Gene: BTK (Bruton tyrosine kinase; minus strand). Cytogenetic location: Xq22.1.
Variant type: single nucleotide variant.
Coding change: c.344C>T on transcript NM_000061.3 (MANE Select); coding-DNA position 344, C replaced by T.
Protein change: p.Ser115Phe; replaces serine 115 with phenylalanine.
Molecular consequence: missense variant.
Genome position (GRCh38, 1-based): chrX:101,370,045, G>A on the plus strand (C>T on the coding strand, the complement: BTK is on the minus strand). VCF-style: chrX-101370045-G-A. GRCh37 (hg19) VCF-style: chrX-100625033-G-A.
Other names: c.446C>T, p.Ser149Phe (NM_001287344.2); c.344C>T, p.Ser115Phe (NM_001287345.2); short protein forms S149F, S115F.
Identifiers: ClinVar variation 2737304 (VCV002737304.4), dbSNP rs2520657546, ClinGen allele CA413937160.